The following is an entry in ClinVar:

NM_000179.3(MSH6):c.3354G>A (p.Glu1118=)

Gene: MSH6 (mutS homolog 6; plus strand). Cytogenetic location: 2p16.3.
Variant type: single nucleotide variant.
Coding change: c.3354G>A on transcript NM_000179.3 (MANE Select); coding-DNA position 3354, G replaced by A.
Protein change: p.Glu1118=; no amino-acid change (glutamic acid 1118 retained).
Molecular consequence: synonymous variant.
Genome position (GRCh38, 1-based): chr2:47,803,601, G>A. VCF-style: chr2-47803601-G-A. GRCh37 (hg19) VCF-style: chr2-48030740-G-A.
Other names: c.2964G>A, p.Glu988= (NM_001281492.2); c.2448G>A, p.Glu816= (NM_001281493.2, NM_001281494.2).
Identifiers: ClinVar variation 220901 (VCV000220901.33), dbSNP rs35642130, ClinGen allele CA070715.

ClinVar aggregate classification (germline): Conflicting classifications of pathogenicity. Review status: criteria provided, conflicting classifications (1 of 4 stars). 15 submissions from 15 submitters: Uncertain significance (1); Benign (10); Likely benign (3). 1 of the submissions does not count toward it. Last evaluated 2026-02-01.

Conditions:
Hereditary nonpolyposis colorectal neoplasms. Identifiers: MedGen C0009405, MeSH D003123.
Hereditary cancer-predisposing syndrome. Also called: Hereditary Cancer Syndrome; Tumor predisposition; Neoplastic Syndromes, Hereditary; Hereditary neoplastic syndrome. Identifiers: Orphanet 140162, MedGen C0027672, MeSH D009386, MONDO:0015356.
Lynch syndrome. Identifiers: Orphanet 144, MedGen C4552100, MONDO:0005835. Disease mechanism: loss of function.
Lynch syndrome 5 (LYNCH5). Also called: Colorectal cancer, hereditary nonpolyposis, type 5; Hereditary non-polyposis colorectal cancer, type 5. Identifiers: Orphanet 144, MedGen C1833477, MONDO:0013710, OMIM 614350. Disease mechanism: loss of function.

Allele frequency attached by ClinVar (database versions not stated): gnomAD below 0.00001 and 0.00014; TOPMed 0.00001; gnomAD exomes 0.00024 and 0.00040; ExAC 0.00046; 1000 Genomes Project 0.00060; 1000 Genomes Project 30x 0.00078.
gnomAD v4.1: 376 of 1,614,190 alleles (0.023%); highest among the groups gnomAD compares: South Asian, 0.39%; 6 homozygotes.

Submissions (15):

Labcorp Genetics (formerly Invitae), Labcorp
Classification: Benign for Hereditary nonpolyposis colorectal neoplasms. Last evaluated: 2026-02-01. Review status: criteria provided, single submitter. Criteria: Invitae Variant Classification Sherloc (09022015). Collection method: clinical testing. Allele origin: germline.

Center for Genomic Medicine, Rigshospitalet, Copenhagen University Hospital
Classification: Benign. Last evaluated: 2025-12-29. Review status: criteria provided, single submitter. Criteria: ACMG Guidelines, 2015. Collection method: clinical testing. Allele origin: germline.
Comment: Classification criteria: BA1

Myriad Genetics, Inc.
Classification: Benign for Lynch syndrome 5. Last evaluated: 2025-01-06. Review status: criteria provided, single submitter. Criteria: Myriad Autosomal Dominant, Autosomal Recessive and X-Linked Classification Criteria (2023). Collection method: clinical testing. Allele origin: unknown.
Comment: This variant is considered benign. This variant is a silent/synonymous amino acid change and it is not expected to impact splicing.

Blueprint Genetics
Classification: Likely benign. Last evaluated: 2024-05-23. Review status: criteria provided, single submitter. Criteria: ACMG Guidelines, 2015. Collection method: clinical testing. Allele origin: germline.

All of Us Research Program, National Institutes of Health
Classification: Benign for Lynch syndrome. Last evaluated: 2023-12-18. Review status: criteria provided, single submitter. Criteria: ACMG Guidelines, 2015. Collection method: clinical testing. Allele origin: germline. Inheritance: Autosomal dominant inheritance. Observed: 13 variant alleles, 13 heterozygotes.
Comment: This study involves interpretation of variants in research participants for the purpose of population health screening. Participant phenotype was not available at the time of variant classification. Additional details can be found in publication PMID: 35346344, PMCID: PMC8962531

KCCC/NGS Laboratory, Kuwait Cancer Control Center
Classification: Benign for Lynch syndrome 5. Last evaluated: 2023-07-07. Review status: criteria provided, single submitter. Criteria: ACMG Guidelines, 2015. Collection method: clinical testing. Allele origin: germline. Affected: yes.

Sema4
Classification: Benign for Hereditary cancer-predisposing syndrome. Last evaluated: 2021-05-20. Review status: criteria provided, single submitter. Criteria: Sema4 Curation Guidelines. Collection method: curation. Allele origin: germline.

Quest Diagnostics Nichols Institute San Juan Capistrano
Classification: Benign. Last evaluated: 2019-07-12. Review status: criteria provided, single submitter. Criteria: Quest Diagnostics criteria. Collection method: clinical testing. Allele origin: germline.

Women's Health and Genetics/Laboratory Corporation of America, LabCorp
Classification: Benign. Last evaluated: 2018-04-23. Review status: criteria provided, single submitter. Criteria: LabCorp Variant Classification Summary - May 2015. Collection method: clinical testing. Allele origin: germline.
Comment: Variant summary: MSH6 c.3354G>A alters a non-conserved nucleotide resulting in a synonymous change. 5/5 computational tools predict no significant impact on normal splicing. However, these predictions have yet to be confirmed by functional studies. The variant allele was found at a frequency of 0.00043 in 246174 control chromosomes, predominantly at a frequency of 0.0034 within the South Asian subpopulation in the gnomAD database, including 3 homozygotes. The observed variant frequency within South Asian control individuals in the gnomAD database is approximately 23.93 fold of the estimated maximal expected allele frequency for a pathogenic variant in MSH6 causing Lynch Syndrome phenotype (0.00014), strongly suggesting that the variant is a benign polymorphism found primarily in populations of South Asian origin. To our knowledge, no occurrence of c.3354G>A in individuals affected with Lynch Syndrome and no experimental evidence demonstrating its impact on protein function have been reported. Four clinical diagnostic laboratories have submitted clinical-significance assessments for this variant to ClinVar after 2014 without evidence for independent evaluation. All laboratories classified the variant as benign/likely benign. Based on the evidence outlined above, the variant was classified as benign.

Genetic Services Laboratory, University of Chicago
Classification: Likely benign. Last evaluated: 2018-03-06. Review status: criteria provided, single submitter. Criteria: ACMG Guidelines, 2015. Collection method: clinical testing. Allele origin: germline. Affected: no.

Illumina Laboratory Services, Illumina
Classification: Uncertain significance for Lynch syndrome 5. Last evaluated: 2018-01-13. Review status: criteria provided, single submitter. Criteria: ICSL Variant Classification Criteria 13 December 2019. Collection method: clinical testing. Allele origin: germline.

Color Diagnostics, LLC DBA Color Health
Classification: Benign for Hereditary cancer-predisposing syndrome. Last evaluated: 2016-11-07. Review status: criteria provided, single submitter. Criteria: ACMG Guidelines, 2015. Collection method: clinical testing. Allele origin: germline.

GeneDx
Classification: Benign. Last evaluated: 2015-05-18. Review status: criteria provided, single submitter. Criteria: GeneDx Variant Classification (06012015). Collection method: clinical testing. Allele origin: germline. Affected: yes.
Comment: This variant is considered likely benign or benign based on one or more of the following criteria: it is a conservative change, it occurs at a poorly conserved position in the protein, it is predicted to be benign by multiple in silico algorithms, and/or has population frequency not consistent with disease.

Ambry Genetics
Classification: Likely benign for Hereditary cancer-predisposing syndrome. Last evaluated: 2015-05-01. Review status: criteria provided, single submitter. Criteria: Ambry Variant Classification Scheme 2023. Collection method: clinical testing. Allele origin: germline.

Department of Pathology and Laboratory Medicine, Sinai Health System
Classification: Benign. Review status: no assertion criteria provided. Collection method: clinical testing. Allele origin: unknown. Affected: yes. Study: The Canadian Open Genetics Repository (COGR). Not counted in ClinVar's aggregate classification.
Comment: The MSH6 p.Glu1118= variant was not identified in the literature nor was it identified in the following databases: GeneInsight-COGR, Cosmic, MutDB, UMD-LSDB, Insight Colon Cancer Gene Variant Database, Zhejiang Colon Cancer Database, Mismatch Repair Genes Variant Database, or Insight Hereditary Tumors Database. The variant was identified in dbSNP (ID: rs35642130) â€šÃ„ÃºWith Likely benign alleleâ€šÃ„Ã¹, ClinVar (classified benign by Invitae, GeneDx and likely benign by Ambry Genetics), Clinvitae (3x), and in control databases in 106 (3 homozygous) of 246174 chromosomes at a frequency of 0.0004 increasing the likelihood this could be a low frequency benign variant (Genome Aggregation Database Feb 27, 2017). Breakdown of the observations by population include European Non-Finnish in 1 of 111648 chromosomes (freq: 0.000009), and South Asian in 105 (3 homozygous) of 30782 chromosomes (freq: 0.003), while not observed in the African, Other, Latino, Ashkenazi Jewish, East Asian, or European Finnish populations. The p.Glu1118= variant is not expected to have clinical significance because it does not result in a change of amino acid and is not located in a known consensus splice site, with 2 of 5 in silico or computational prediction software programs (SpliceSiteFinder, MaxEntScan, NNSPLICE, GeneSplicer, HumanSpliceFinder) predicting a greater than 10% difference in splicing; this is not very predictive of pathogenicity. In summary, based on the above information this variant meets our laboratory's criteria to be classified as benign.